The following is an entry in ClinVar:

ClinVar aggregate classification (germline): Uncertain significance (1 of 4 stars; one submission).

Conditions:
Inborn genetic diseases. Identifiers: MedGen C0950123, MeSH D030342.

Allele frequency attached by ClinVar (database versions not stated): gnomAD exomes 0.00001.

Submission:

Ambry Genetics
Classification: Uncertain significance for Inborn genetic diseases. Last evaluated: 2016-12-27. Review status: criteria provided, single submitter. Criteria: Ambry Variant Classification Scheme 2023. Collection method: clinical testing. Allele origin: germline.
Comment: The p.P452L variant (also known as c.1355C>T), located in coding exon 10 of the GRIN1 gene, results from a C to T substitution at nucleotide position 1355. The proline at codon 452 is replaced by leucine, an amino acid with similar properties. This amino acid position is well conserved in available vertebrate species. In addition, this alteration is predicted to be tolerated by in silico analysis. Since supporting evidence is limited at this time, the clinical significance of this alteration remains unclear.

NM_007327.4(GRIN1):c.1355C>T (p.Pro452Leu)

Gene: GRIN1 (glutamate ionotropic receptor NMDA type subunit 1; plus strand). Cytogenetic location: 9q34.3.
Variant type: single nucleotide variant.
Coding change: c.1355C>T on transcript NM_007327.4 (MANE Select); coding-DNA position 1355, C replaced by T.
Protein change: p.Pro452Leu; replaces proline 452 with leucine.
Molecular consequence: missense variant.
Genome position (GRCh38, 1-based): chr9:137,161,304, C>T. VCF-style: chr9-137161304-C-T. GRCh37 (hg19) VCF-style: chr9-140055756-C-T.
Other names: c.1355C>T, p.Pro452Leu (NM_000832.7, NM_021569.4); c.1418C>T, p.Pro473Leu (NM_001185090.2, NM_001185091.2); short protein forms P452L, P473L.
Identifiers: ClinVar variation 588609 (VCV000588609.5), dbSNP rs1564361971, ClinGen allele CA375716436.
Genomic context (GRCh38, chr9:137,161,304, plus strand): 5'-GTGGGGCGGTCTGGAGCCCAGCAGTTACCGCCCGCACCTACCCAGCCCGCCACACGGTGC[C>T]TCAGTGTTGCTACGGCTTTTGCATCGACCTGCTCATCAAGCTGGCACGGACCATGAACTT-3'
Protein context (NP_015566.1, residues 442-462): TSPGSPRHTV[Pro452Leu]QCCYGFCIDL